The following is an entry in ClinVar:

NM_001171.6(ABCC6):c.3416C>T (p.Ala1139Val)

Gene: ABCC6 (ATP binding cassette subfamily C member 6; minus strand). Cytogenetic location: 16p13.11.
Variant type: single nucleotide variant.
Coding change: c.3416C>T on transcript NM_001171.6 (MANE Select); coding-DNA position 3416, C replaced by T.
Protein change: p.Ala1139Val; replaces alanine 1139 with valine.
Molecular consequence: missense variant.
Genome position (GRCh38, 1-based): chr16:16,163,083, G>A on the plus strand (C>T on the coding strand, the complement: ABCC6 is on the minus strand). VCF-style: chr16-16163083-G-A. GRCh37 (hg19) VCF-style: chr16-16256940-G-A.
Other names: c.3074C>T, p.Ala1025Val (NM_001351800.1); short protein forms A1025V, A1139V.
Identifiers: ClinVar variation 2131920 (VCV002131920.3), dbSNP rs2510963186, ClinGen allele CA394881407.

ClinVar aggregate classification (germline): Uncertain significance (1 of 4 stars; one submission).

Allele frequency attached by ClinVar (database versions not stated): gnomAD exomes below 0.00001.
gnomAD v4.1: 2 of 1,613,920 alleles (0.00012%); highest among the groups gnomAD compares: Non-Finnish European, 0.000085%; no homozygotes.

Submission:

Labcorp Genetics (formerly Invitae), Labcorp
Classification: Uncertain significance. Last evaluated: 2025-08-03. Review status: criteria provided, single submitter. Criteria: Invitae Variant Classification Sherloc (09022015). Collection method: clinical testing. Allele origin: germline.
Comment: This sequence change replaces alanine, which is neutral and non-polar, with valine, which is neutral and non-polar, at codon 1139 of the ABCC6 protein (p.Ala1139Val). This variant is not present in population databases (gnomAD no frequency). This variant has not been reported in the literature in individuals affected with ABCC6-related conditions. ClinVar contains an entry for this variant (Variation ID: 2131920). Invitae Evidence Modeling of protein sequence and biophysical properties (such as structural, functional, and spatial information, amino acid conservation, physicochemical variation, residue mobility, and thermodynamic stability) has been performed for this missense variant. However, the output from this modeling did not meet the statistical confidence thresholds required to predict the impact of this variant on ABCC6 protein function. This variant disrupts the p.Ala1139 amino acid residue in ABCC6. Other variant(s) that disrupt this residue have been determined to be pathogenic (PMID: 34906475). This suggests that this residue is clinically significant, and that variants that disrupt this residue are likely to be disease-causing. In summary, the available evidence is currently insufficient to determine the role of this variant in disease. Therefore, it has been classified as a Variant of Uncertain Significance.

Literature cited by the submitters: PubMed 34906475.